The following is an entry in ClinVar:

ClinVar aggregate classification (germline): Uncertain significance (1 of 4 stars; one submission).

Submission:

GeneDx
Classification: Uncertain significance. Last evaluated: 2026-04-22. Review status: criteria provided, single submitter. Criteria: GeneDx Variant Classification Process June 2021. Collection method: clinical testing. Allele origin: germline.
Comment: Not observed at significant frequency in large population cohorts (gnomAD); In silico analysis suggests that this missense variant does not alter protein structure/function; Has not been previously published as pathogenic or benign to our knowledge

NM_005883.3(APC2):c.5938T>C (p.Ser1980Pro)

Gene: APC2 (APC regulator of Wnt signaling pathway 2; plus strand). Cytogenetic location: 19p13.3.
Variant type: single nucleotide variant.
Coding change: c.5938T>C on transcript NM_005883.3 (MANE Select); coding-DNA position 5938, T replaced by C.
Protein change: p.Ser1980Pro; replaces serine 1980 with proline.
Molecular consequence: missense variant.
Genome position (GRCh38, 1-based): chr19:1,469,239, T>C. VCF-style: chr19-1469239-T-C. GRCh37 (hg19) VCF-style: chr19-1469238-T-C.
Other names: c.5935T>C, p.Ser1979Pro (NM_001351273.1); short protein forms S1979P, S1980P.
Identifiers: ClinVar variation 3899171 (VCV003899171.2).